The following is an entry in ClinVar:

NM_002303.6(LEPR):c.510A>G (p.Glu170=)

Gene: LEPR (leptin receptor; plus strand). Cytogenetic location: 1p31.3.
Variant type: single nucleotide variant.
Coding change: c.510A>G on transcript NM_002303.6 (MANE Select); coding-DNA position 510, A replaced by G.
Protein change: p.Glu170=; no amino-acid change (glutamic acid 170 retained).
Molecular consequence: synonymous variant.
Genome position (GRCh38, 1-based): chr1:65,592,672, A>G. VCF-style: chr1-65592672-A-G. GRCh37 (hg19) VCF-style: chr1-66058355-A-G.
Other names: c.510A>G, p.Glu170= (NM_001003679.3, NM_001003680.3, NM_001198687.2 and 2 more transcripts).
Identifiers: ClinVar variation 4983320 (VCV004983320.1).

ClinVar aggregate classification (germline): Uncertain significance (1 of 4 stars; one submission).

Conditions:
LEPR-related disorder. Also called: LEPR-related condition; LEPR-related disorders.

gnomAD v4.1: 2 of 1,613,150 alleles (0.00012%); highest among the groups gnomAD compares: Admixed American, 0.0017%; no homozygotes.

Submission:

PreventionGenetics, part of Exact Sciences
Classification: Uncertain significance for LEPR-related condition. Last evaluated: 2026-07-22. Review status: criteria provided, single submitter. Criteria: ACMG Guidelines, 2015. Collection method: clinical testing. Allele origin: germline.
Comment: The LEPR c.510A>G variant is not predicted to result in an amino acid change (p.=). To our knowledge, this variant has not been reported in the literature. This variant is predicted to alter splicing based on available splicing prediction programs (SpliceAI, Jaganathan et al. 2019. PubMed ID: 30661751). However, the use of computer prediction programs is not equivalent to functional evidence. This variant is reported in 0.0029% of alleles in individuals of Latino descent in gnomAD. At this time, the clinical significance of this variant is uncertain due to the absence of conclusive functional and genetic evidence.